The following is an entry in ClinVar:

NM_006206.6(PDGFRA):c.1346T>C (p.Ile449Thr)

Gene: PDGFRA (platelet derived growth factor receptor alpha; plus strand). Cytogenetic location: 4q12.
Variant type: single nucleotide variant.
Coding change: c.1346T>C on transcript NM_006206.6 (MANE Select); coding-DNA position 1346, T replaced by C.
Protein change: p.Ile449Thr; replaces isoleucine 449 with threonine.
Molecular consequence: missense variant.
Genome position (GRCh38, 1-based): chr4:54,272,502, T>C. VCF-style: chr4-54272502-T-C. GRCh37 (hg19) VCF-style: chr4-55138669-T-C.
Other names: c.1346T>C, p.Ile449Thr (NM_001347827.2, NM_001347829.2); c.1421T>C, p.Ile474Thr (NM_001347828.2); c.1385T>C, p.Ile462Thr (NM_001347830.2); short protein forms I449T, I462T, I474T.
Identifiers: ClinVar variation 2764912 (VCV002764912.3), dbSNP rs2475482767, ClinGen allele CA356892359.

ClinVar aggregate classification (germline): Uncertain significance (1 of 4 stars; one submission).

Conditions:
Gastrointestinal stromal tumor. Also called: Gastrointestinal stromal tumor, somatic; Gastrointestinal stroma tumor. Identifiers: Orphanet 44890, MedGen C0238198, MeSH D046152, MONDO:0011719, OMIM 606764, HP:0100723.

Allele frequency attached by ClinVar (database versions not stated): gnomAD exomes below 0.00001.
gnomAD v4.1: 1 of 1,614,064 alleles (0.000062%); highest among the groups gnomAD compares: South Asian, 0.0011%; no homozygotes.

Submission:

Labcorp Genetics (formerly Invitae), Labcorp
Classification: Uncertain significance for Gastrointestinal stromal tumor. Last evaluated: 2023-06-04. Review status: criteria provided, single submitter. Criteria: Invitae Variant Classification Sherloc (09022015). Collection method: clinical testing. Allele origin: germline.
Comment: Advanced modeling of protein sequence and biophysical properties (such as structural, functional, and spatial information, amino acid conservation, physicochemical variation, residue mobility, and thermodynamic stability) performed at Invitae indicates that this missense variant is not expected to disrupt PDGFRA protein function. This variant has not been reported in the literature in individuals affected with PDGFRA-related conditions. This variant is not present in population databases (gnomAD no frequency). In summary, the available evidence is currently insufficient to determine the role of this variant in disease. Therefore, it has been classified as a Variant of Uncertain Significance. This sequence change replaces isoleucine, which is neutral and non-polar, with threonine, which is neutral and polar, at codon 449 of the PDGFRA protein (p.Ile449Thr).